The following is an entry in ClinVar:

NM_006432.5(NPC2):c.210_213dup (p.Ala72fs)

Gene: NPC2 (NPC intracellular cholesterol transporter 2; minus strand). Cytogenetic location: 14q24.3.
Variant type: Duplication.
Coding change: c.210_213dup on transcript NM_006432.5 (MANE Select); coding-DNA positions 210 to 213, 4 bases duplicated (CAAG; older notation c.210_213dupCAAG).
Protein change: p.Ala72fs; shifts the reading frame from alanine 72.
Molecular consequence: frameshift variant.
Genome position (GRCh38, 1-based): chr14:74,484,565-74,484,568, CTTG duplicated on the plus strand (CAAG on the coding strand, the reverse complement: NPC2 is on the minus strand); duplicating any 4 consecutive bases within chr14:74,484,565-74,484,570 gives the same sequence; the c. name uses the placement nearest the transcript's 3' end. VCF-style (leftmost placement, unchanged base first): chr14-74484564-C-CCTTG. GRCh37 (hg19) VCF-style: chr14-74951267-C-CCTTG.
Other names: c.210_213dup, p.Ala72fs (NM_001363688.1, NM_001375440.1); short protein forms A72fs.
Identifiers: ClinVar variation 856293 (VCV000856293.8), dbSNP rs2086689501, ClinGen allele CA916083387.
Genomic context (GRCh38, chr14:74,484,564, plus strand): 5'-CATCAGGCTCAGGAATGGGAAAGGGAACTGGGACGCCCATCAGGATGCCATGCACCACGG[C>CCTTG]CTTGCTGCTTTTAGACTGAATATCTAAGAGAAAAAAAGAGAATCAGATGGCAAAGAAAAT-3'

ClinVar aggregate classification (germline): Pathogenic/Likely pathogenic. Review status: criteria provided, multiple submitters, no conflicts (2 of 4 stars). 2 submissions from 2 submitters: Pathogenic (1); Likely pathogenic (1). Last evaluated 2023-05-20.

Conditions:
Niemann-Pick disease, type C2 (NPC2). Identifiers: Orphanet 646, MedGen C1843366, MONDO:0011873, OMIM 607625.

Submissions (2):

Neuberg Centre For Genomic Medicine, NCGM
Classification: Likely pathogenic for Niemann-Pick disease, type C2. Last evaluated: 2023-05-20. Review status: criteria provided, single submitter. Criteria: ACMG Guidelines, 2015. Collection method: clinical testing. Allele origin: germline. Inheritance: Autosomal recessive inheritance. Affected: yes.
Comment: The frameshift c.210_213dup (p.Ala72GlnfsTer19) variant in the NPC2 gene has not been reported in the literature in individuals with NPC2-related conditions. The variant is absent in gnomAD Exomes. This variant causes a frameshift starting with codon Alanine 72, changes this amino acid to Glutamine residue, and creates a premature Stop codon at position 19 of the new reading frame, denoted p.Ala72GlnfsTer19. This variant has been reported to the ClinVar database as Pathogenic. This variant is predicted to cause loss of normal protein function through protein truncation. Loss of function variants have been previously reported to be disease causing. Further studies are required to prove the pathogenicity of the variant. For these reasons, this variant has been classified as Likely Pathogenic.

Labcorp Genetics (formerly Invitae), Labcorp
Classification: Pathogenic for Niemann-Pick disease, type C2. Last evaluated: 2019-01-23. Review status: criteria provided, single submitter. Criteria: Invitae Variant Classification Sherloc (09022015). Collection method: clinical testing. Allele origin: germline.
Comment: This variant has not been reported in the literature in individuals with NPC2-related conditions. This sequence change creates a premature translational stop signal (p.Ala72Glnfs*19) in the NPC2 gene. It is expected to result in an absent or disrupted protein product. This variant is not present in population databases (ExAC no frequency). Loss-of-function variants in NPC2 are known to be pathogenic (PMID: 25145893). For these reasons, this variant has been classified as Pathogenic.

Literature cited by the submitters: PubMed 25145893 (cited by Labcorp Genetics (formerly Invitae), Labcorp).